The following is an entry in ClinVar:

ClinVar aggregate classification (germline): Uncertain significance. Review status: criteria provided, multiple submitters, no conflicts (2 of 4 stars). 3 submissions from 3 submitters: Uncertain significance (3). Last evaluated 2026-07-01.

Conditions:
Inborn genetic diseases. Identifiers: MedGen C0950123, MeSH D030342.

Allele frequency attached by ClinVar (database versions not stated): gnomAD exomes below 0.00001.
gnomAD v4.1: 4 of 1,613,068 alleles (0.00025%); highest among the groups gnomAD compares: Non-Finnish European, 0.00034%; no homozygotes.

Submissions (3):

CeGaT Center for Human Genetics Tuebingen
Classification: Uncertain significance. Last evaluated: 2026-07-01. Review status: criteria provided, single submitter. Criteria: CeGaT Center For Human Genetics Tuebingen Variant Classification Criteria Version 2. Collection method: clinical testing. Allele origin: germline. Affected: yes. Observed: 1 variant allele.
Comment: MDH2: PM2

Ambry Genetics
Classification: Uncertain significance for Inborn genetic diseases. Last evaluated: 2022-02-21. Review status: criteria provided, single submitter. Criteria: Ambry Variant Classification Scheme 2023. Collection method: clinical testing. Allele origin: germline.
Comment: The p.V139A variant (also known as c.416T>C), located in coding exon 4 of the MDH2 gene, results from a T to C substitution at nucleotide position 416. The valine at codon 139 is replaced by alanine, an amino acid with similar properties. This amino acid position is conserved. In addition, the in silico prediction for this alteration is inconclusive. Since supporting evidence is limited at this time, the clinical significance of this alteration remains unclear.

Labcorp Genetics (formerly Invitae), Labcorp
Classification: Uncertain significance. Last evaluated: 2021-11-09. Review status: criteria provided, single submitter. Criteria: Invitae Variant Classification Sherloc (09022015). Collection method: clinical testing. Allele origin: germline.
Comment: In summary, the available evidence is currently insufficient to determine the role of this variant in disease. Therefore, it has been classified as a Variant of Uncertain Significance. Algorithms developed to predict the effect of missense changes on protein structure and function are either unavailable or do not agree on the potential impact of this missense change (SIFT: "Deleterious"; PolyPhen-2: "Benign"; Align-GVGD: "Class C0"). This variant has not been reported in the literature in individuals affected with MDH2-related conditions. This variant is not present in population databases (gnomAD no frequency). This sequence change replaces valine, which is neutral and non-polar, with alanine, which is neutral and non-polar, at codon 139 of the MDH2 protein (p.Val139Ala).

NM_005918.4(MDH2):c.416T>C (p.Val139Ala)

Gene: MDH2 (malate dehydrogenase 2; plus strand). Cytogenetic location: 7q11.23.
Variant type: single nucleotide variant.
Coding change: c.416T>C on transcript NM_005918.4 (MANE Select); coding-DNA position 416, T replaced by C.
Protein change: p.Val139Ala; replaces valine 139 with alanine.
Molecular consequence: missense variant.
Genome position (GRCh38, 1-based): chr7:76,058,065, T>C. VCF-style: chr7-76058065-T-C. GRCh37 (hg19) VCF-style: chr7-75687383-T-C.
Other names: c.416T>C, p.Val139Ala (NM_001282403.2); c.95T>C, p.Val32Ala (NM_001282404.2); short protein forms V139A, V32A.
Identifiers: ClinVar variation 1363779 (VCV001363779.24), dbSNP rs1554586536, ClinGen allele CA367764500.